The following is an entry in ClinVar:

ClinVar aggregate classification (germline): Uncertain significance (1 of 4 stars; one submission).

Submission:

GeneDx
Classification: Uncertain significance. Last evaluated: 2026-10-01. Review status: criteria provided, single submitter. Criteria: GeneDx Variant Classification Process June 2021. Collection method: clinical testing. Allele origin: germline.
Comment: Not observed at significant frequency in large population cohorts (gnomAD); In silico analysis suggests that this missense variant does not alter protein structure/function; Has not been previously published as pathogenic or benign to our knowledge; This variant is associated with the following publications: (PMID: 12070251)

NM_004380.3(CREBBP):c.4781A>G (p.Asn1594Ser)

Gene: CREBBP (CREB binding lysine acetyltransferase; minus strand). Cytogenetic location: 16p13.3.
Variant type: single nucleotide variant.
Coding change: c.4781A>G on transcript NM_004380.3 (MANE Select); coding-DNA position 4781, A replaced by G.
Protein change: p.Asn1594Ser; replaces asparagine 1594 with serine.
Molecular consequence: missense variant.
Genome position (GRCh38, 1-based): chr16:3,731,885, T>C on the plus strand (A>G on the coding strand, the complement: CREBBP is on the minus strand). VCF-style: chr16-3731885-T-C. GRCh37 (hg19) VCF-style: chr16-3781886-T-C.
Other names: c.4667A>G, p.Asn1556Ser (NM_001079846.1); short protein forms N1556S, N1594S.
Identifiers: ClinVar variation 4074682 (VCV004074682.3).